The following is an entry in ClinVar:

ClinVar aggregate classification (germline): Uncertain significance (1 of 4 stars; one submission).

Submission:

Labcorp Genetics (formerly Invitae), Labcorp
Classification: Uncertain significance. Last evaluated: 2026-01-18. Review status: criteria provided, single submitter. Criteria: Invitae Variant Classification Sherloc (09022015). Collection method: clinical testing. Allele origin: germline.
Comment: This sequence change replaces histidine, which is basic and polar, with tyrosine, which is neutral and polar, at codon 151 of the IL21 protein (p.His151Tyr). This variant is not present in population databases (gnomAD no frequency). This variant has not been reported in the literature in individuals affected with IL21-related conditions. ClinVar contains an entry for this variant (Variation ID: 664288). An algorithm developed to predict the effect of missense changes on protein structure and function (PolyPhen-2) suggests that this variant is likely to be disruptive. In summary, the available evidence is currently insufficient to determine the role of this variant in disease. Therefore, it has been classified as a Variant of Uncertain Significance.

NM_021803.4(IL21):c.451C>T (p.His151Tyr)

Gene: IL21 (interleukin 21; minus strand). Cytogenetic location: 4q27.
Variant type: single nucleotide variant.
Coding change: c.451C>T on transcript NM_021803.4 (MANE Select); coding-DNA position 451, C replaced by T.
Protein change: p.His151Tyr; replaces histidine 151 with tyrosine.
Molecular consequence: missense variant. On other transcripts: 3 prime UTR variant (1).
Genome position (GRCh38, 1-based): chr4:122,612,748, G>A on the plus strand (C>T on the coding strand, the complement: IL21 is on the minus strand). VCF-style: chr4-122612748-G-A. GRCh37 (hg19) VCF-style: chr4-123533903-G-A.
Other names: c.*79C>T (NM_001207006.3); short protein forms H151Y.
Identifiers: ClinVar variation 664288 (VCV000664288.5), dbSNP rs1578434715, ClinGen allele CA358220846.